The following is an entry in ClinVar:

ClinVar aggregate classification (germline): Uncertain significance (1 of 4 stars; one submission).

Conditions:
Hajdu-Cheney syndrome (HJCYS). Also called: ACROOSTEOLYSIS WITH OSTEOPOROSIS AND CHANGES IN SKULL AND MANDIBLE; SERPENTINE FIBULA-POLYCYSTIC KIDNEY SYNDROME; Acroosteolysis dominant type. Identifiers: Orphanet 955, MedGen C0917715, MONDO:0007057, OMIM 102500.

Allele frequency attached by ClinVar (database versions not stated): gnomAD 0.00001; TOPMed 0.00001; gnomAD exomes 0.00001.
gnomAD v4.1: 15 of 1,613,788 alleles (0.00093%); highest among the groups gnomAD compares: Middle Eastern, 0.016%; no homozygotes.

Submission:

Labcorp Genetics (formerly Invitae), Labcorp
Classification: Uncertain significance for Hajdu-Cheney syndrome. Last evaluated: 2025-07-28. Review status: criteria provided, single submitter. Criteria: Invitae Variant Classification Sherloc (09022015). Collection method: clinical testing. Allele origin: germline.
Comment: This sequence change replaces phenylalanine, which is neutral and non-polar, with leucine, which is neutral and non-polar, at codon 2353 of the NOTCH2 protein (p.Phe2353Leu). This variant is present in population databases (no rsID available, gnomAD 0.0009%). This variant has not been reported in the literature in individuals affected with NOTCH2-related conditions. ClinVar contains an entry for this variant (Variation ID: 3001070). Invitae Evidence Modeling of protein sequence and biophysical properties (such as structural, functional, and spatial information, amino acid conservation, physicochemical variation, residue mobility, and thermodynamic stability) indicates that this missense variant is not expected to disrupt NOTCH2 protein function with a negative predictive value of 80%. In summary, the available evidence is currently insufficient to determine the role of this variant in disease. Therefore, it has been classified as a Variant of Uncertain Significance.

NM_024408.4(NOTCH2):c.7057T>C (p.Phe2353Leu)

Gene: NOTCH2 (notch receptor 2; minus strand). Cytogenetic location: 1p12.
Variant type: single nucleotide variant.
Coding change: c.7057T>C on transcript NM_024408.4 (MANE Select); coding-DNA position 7057, T replaced by C.
Protein change: p.Phe2353Leu; replaces phenylalanine 2353 with leucine.
Molecular consequence: missense variant.
Genome position (GRCh38, 1-based): chr1:119,915,665, A>G on the plus strand (T>C on the coding strand, the complement: NOTCH2 is on the minus strand). VCF-style: chr1-119915665-A-G. GRCh37 (hg19) VCF-style: chr1-120458288-A-G.
Other names: short protein forms F2353L.
Identifiers: ClinVar variation 3001070 (VCV003001070.3), dbSNP rs1317265963, ClinGen allele CA341873833.
Genomic context (GRCh38, chr1:119,915,665, plus strand): 5'-AGGCTGGGAGAATGGTCTGAGCTACCTGCCCGTCCTGCTGGGGCATCATGGCAGTGGGGA[A>G]AGCCACACTGGGCAAACGGGCCATTTCTGGAATCTGGTACATGGTGGGCAGGGGGCCCGC-3'
Protein context (NP_077719.2, residues 2343-2363): PEMARLPSVA[Phe2353Leu]PTAMMPQQDG